The following is an entry in ClinVar:

NM_018055.5(NODAL):c.742C>T (p.Arg248Trp)

Gene: NODAL (nodal growth differentiation factor; minus strand). Cytogenetic location: 10q22.1.
Variant type: single nucleotide variant.
Coding change: c.742C>T on transcript NM_018055.5 (MANE Select); coding-DNA position 742, C replaced by T.
Protein change: p.Arg248Trp; replaces arginine 248 with tryptophan.
Molecular consequence: missense variant.
Genome position (GRCh38, 1-based): chr10:70,435,435, G>A on the plus strand (C>T on the coding strand, the complement: NODAL is on the minus strand). VCF-style: chr10-70435435-G-A. GRCh37 (hg19) VCF-style: chr10-72195191-G-A.
Other names: c.343C>T, p.Arg115Trp (NM_001329906.2); short protein forms R248W, R115W.
Identifiers: ClinVar variation 418388 (VCV000418388.6), dbSNP rs1023858722, ClinGen allele CA16618976.

ClinVar aggregate classification (germline): Uncertain significance. Review status: criteria provided, multiple submitters, no conflicts (2 of 4 stars). 3 submissions from 3 submitters: Uncertain significance (3). Last evaluated 2026-09-14.

Conditions:
NODAL-related disorder. Also called: NODAL-related condition; NODAL-related disorders. Identifiers: MedGen CN239298.
Heterotaxy, visceral, 5, autosomal (HTX5). Also called: Heterotaxy, visceral, 5. Identifiers: Orphanet 450, MedGen C3495537, MONDO:0700112, OMIM 270100.

Allele frequency attached by ClinVar (database versions not stated): gnomAD 0.00001; TOPMed 0.00001.
gnomAD v4.1: 8 of 1,614,052 alleles (0.0005%); highest among the groups gnomAD compares: African/African-American, 0.0013%; no homozygotes.

Submissions (3):

GeneDx
Classification: Uncertain significance. Last evaluated: 2026-09-14. Review status: criteria provided, single submitter. Criteria: GeneDx Variant Classification Process June 2021. Collection method: clinical testing. Allele origin: germline.
Comment: Not observed at significant frequency in large population cohorts (gnomAD); In silico analysis supports that this missense variant has a deleterious effect on protein structure/function; This variant is associated with the following publications: (PMID: 40127276, 26121141, 38570875)

Labcorp Genetics (formerly Invitae), Labcorp
Classification: Uncertain significance for Heterotaxy, visceral, 5, autosomal. Last evaluated: 2026-01-27. Review status: criteria provided, single submitter. Criteria: Invitae Variant Classification Sherloc (09022015). Collection method: clinical testing. Allele origin: germline.
Comment: This sequence change replaces arginine, which is basic and polar, with tryptophan, which is neutral and slightly polar, at codon 248 of the NODAL protein (p.Arg248Trp). This variant is not present in population databases (gnomAD no frequency). This variant has not been reported in the literature in individuals affected with NODAL-related conditions. ClinVar contains an entry for this variant (Variation ID: 418388). Invitae Evidence Modeling of protein sequence and biophysical properties (such as structural, functional, and spatial information, amino acid conservation, physicochemical variation, residue mobility, and thermodynamic stability) indicates that this missense variant is expected to disrupt NODAL protein function with a positive predictive value of 80%. In summary, the available evidence is currently insufficient to determine the role of this variant in disease. Therefore, it has been classified as a Variant of Uncertain Significance.

PreventionGenetics, part of Exact Sciences
Classification: Uncertain significance for NODAL-related condition. Last evaluated: 2025-12-19. Review status: criteria provided, single submitter. Criteria: ACMG Guidelines, 2015. Collection method: clinical testing. Allele origin: germline.
Comment: The NODAL c.742C>T variant is predicted to result in the amino acid substitution p.Arg248Trp. This variant has been reported in a patient with total anomalous pulmonary venous return (Nash et al. 2015. PubMed ID: 26121141) and in a family with cardiac laterality defects (Dardas et al. 2024. PubMed ID: 38570875). However, it has also been identified in patients undergoing testing for unrelated phenotypes (internal data). This variant has not been reported in a large population database (gnomAD), indicating this variant is rare. Although we suspect that this variant may be pathogenic, at this time, the clinical significance of this variant is uncertain due to the absence of conclusive functional and genetic evidence.